The following is an entry in ClinVar:

ClinVar aggregate classification (germline): Uncertain significance (1 of 4 stars; one submission).

Allele frequency attached by ClinVar (database versions not stated): gnomAD exomes below 0.00001.

Submission:

Labcorp Genetics (formerly Invitae), Labcorp
Classification: Uncertain significance. Last evaluated: 2023-05-22. Review status: criteria provided, single submitter. Criteria: Invitae Variant Classification Sherloc (09022015). Collection method: clinical testing. Allele origin: germline.
Comment: This sequence change affects the initiator methionine of the EIF2AK1 mRNA. The next in-frame methionine is located at codon 101. This variant is not present in population databases (gnomAD no frequency). This variant has not been reported in the literature in individuals affected with EIF2AK1-related conditions. ClinVar contains an entry for this variant (Variation ID: 2064147). Experimental studies and prediction algorithms are not available or were not evaluated, and the functional significance of this variant is currently unknown. In summary, the available evidence is currently insufficient to determine the role of this variant in disease. Therefore, it has been classified as a Variant of Uncertain Significance.

NM_014413.4(EIF2AK1):c.2T>G (p.Met1Arg)

Genes: EIF2AK1 (eukaryotic translation initiation factor 2 alpha kinase 1; minus strand), LOC129997920 (ATAC-STARR-seq lymphoblastoid silent region 17933; plus strand). Cytogenetic location: 7p22.1.
Variant type: single nucleotide variant.
Coding change: c.2T>G on transcript NM_014413.4 (MANE Select); coding-DNA position 2, T replaced by G.
Protein change: p.Met1Arg; changes the start codon (methionine 1).
Molecular consequence: missense variant, initiator codon variant.
Genome position (GRCh38, 1-based): chr7:6,059,082, A>C on the plus strand (T>G on the coding strand, the complement: EIF2AK1 is on the minus strand). VCF-style: chr7-6059082-A-C. GRCh37 (hg19) VCF-style: chr7-6098713-A-C.
Other names: c.2T>G, p.Met1Arg (NM_001134335.2); short protein forms M1R.
Identifiers: ClinVar variation 2064147 (VCV002064147.5), dbSNP rs2536944224, ClinGen allele CA366759539.